The following is an entry in ClinVar:

ClinVar aggregate classification (germline): Benign/Likely benign. Review status: criteria provided, multiple submitters, no conflicts (2 of 4 stars). 7 submissions from 7 submitters: Benign (1); Likely benign (4). 2 of the submissions do not count toward it. Last evaluated 2025-10-02.

Conditions:
KMT2D-related disorder. Also called: KMT2D-Related Disorders.
Kabuki syndrome. Also called: Kabuki make-up syndrome; NIIKAWA-KUROKI SYNDROME. Identifiers: Orphanet 2322, MedGen C0796004, MONDO:0016512.
Kabuki syndrome 1 (KABUK1). Also called: KMT2D-Related Kabuki Syndrome. Identifiers: Orphanet 2322, MedGen CN030661, MONDO:0007843, OMIM 147920.

Allele frequency attached by ClinVar (database versions not stated): TOPMed 0.00015; 1000 Genomes Project 30x 0.00016; 1000 Genomes Project 0.00020; ExAC 0.00025; gnomAD 0.00009 and 0.00015; gnomAD exomes 0.00013 and 0.00033.
gnomAD v4.1: 204 of 1,527,116 alleles (0.013%); highest among the groups gnomAD compares: East Asian, 0.34%; 1 homozygote.

Submissions (7):

Labcorp Genetics (formerly Invitae), Labcorp
Classification: Likely benign for Kabuki syndrome. Last evaluated: 2025-10-02. Review status: criteria provided, single submitter. Criteria: Invitae Variant Classification Sherloc (09022015). Collection method: clinical testing. Allele origin: germline.

Blueprint Genetics
Classification: Likely benign. Last evaluated: 2024-09-03. Review status: criteria provided, single submitter. Criteria: ACMG Guidelines, 2015. Collection method: clinical testing. Allele origin: germline.

CeGaT Center for Human Genetics Tuebingen
Classification: Likely benign. Last evaluated: 2023-09-01. Review status: criteria provided, single submitter. Criteria: CeGaT Center For Human Genetics Tuebingen Variant Classification Criteria Version 2. Collection method: clinical testing. Allele origin: germline. Affected: yes. Observed: 1 variant allele.
Comment: KMT2D: BS1

GeneDx
Classification: Benign. Last evaluated: 2020-08-03. Review status: criteria provided, single submitter. Criteria: GeneDx Variant Classification Process June 2021. Collection method: clinical testing. Allele origin: germline. Affected: yes.

Center for Human Genetics, Inc
Classification: Likely benign for Kabuki syndrome 1. Last evaluated: 2016-11-01. Review status: criteria provided, single submitter. Criteria: ACMG Guidelines, 2015. Collection method: clinical testing. Allele origin: germline. Affected: yes.

PreventionGenetics, part of Exact Sciences
Classification: Likely benign for KMT2D-related condition. Last evaluated: 2019-09-09. Review status: no assertion criteria provided. Collection method: clinical testing. Allele origin: germline. Not counted in ClinVar's aggregate classification.
Comment: This variant is classified as likely benign based on ACMG/AMP sequence variant interpretation guidelines (Richards et al. 2015 PMID: 25741868, with internal and published modifications).

ITMI
No classification provided. Condition: AllHighlyPenetrant. Last evaluated: 2013-09-19. Review status: no classification provided. Collection method: reference population. Allele origin: germline. Not counted in ClinVar's aggregate classification.
Comment: Please see associated publication for description of ethnicities

Literature cited by the submitters: PubMed 24728327 (cited by ITMI).

NM_003482.4(KMT2D):c.6643T>A (p.Ser2215Thr)

Gene: KMT2D (lysine methyltransferase 2D; minus strand). Cytogenetic location: 12q13.12.
Variant type: single nucleotide variant.
Coding change: c.6643T>A on transcript NM_003482.4 (MANE Select); coding-DNA position 6643, T replaced by A.
Protein change: p.Ser2215Thr; replaces serine 2215 with threonine.
Molecular consequence: missense variant.
Genome position (GRCh38, 1-based): chr12:49,041,127, A>T on the plus strand (T>A on the coding strand, the complement: KMT2D is on the minus strand). VCF-style: chr12-49041127-A-T. GRCh37 (hg19) VCF-style: chr12-49434910-A-T.
Other names: short protein forms S2215T.
Identifiers: ClinVar variation 134700 (VCV000134700.35), dbSNP rs200080744, ClinGen allele CA160567.